The following is an entry in ClinVar:

NM_000797.4(DRD4):c.1016G>A (p.Gly339Asp)

Gene: DRD4 (dopamine receptor D4; plus strand). Cytogenetic location: 11p15.5.
Variant type: single nucleotide variant.
Coding change: c.1016G>A on transcript NM_000797.4 (MANE Select); coding-DNA position 1016, G replaced by A.
Protein change: p.Gly339Asp; replaces glycine 339 with aspartic acid.
Molecular consequence: missense variant.
Genome position (GRCh38, 1-based): chr11:640,265, G>A. VCF-style: chr11-640265-G-A. GRCh37 (hg19) VCF-style: chr11-640265-G-A.
Other names: short protein forms G339D.
Identifiers: ClinVar variation 3043135 (VCV003043135.3), dbSNP rs199815231, ClinGen allele CA5785890.

ClinVar aggregate classification (germline): Likely benign. Review status: criteria provided, single submitter (1 of 4 stars). 2 submissions from 2 submitters: Likely benign (1). 1 of the submissions does not count toward it. Last evaluated 2024-01-23.

Conditions:
DRD4-related disorder. Also called: DRD4-related condition.

Allele frequency attached by ClinVar (database versions not stated): 1000 Genomes Project 30x 0.00031; 1000 Genomes Project 0.00040; TOPMed 0.00133; gnomAD 0.00136; ExAC 0.00189.
gnomAD v4.1: 2,612 of 1,533,904 alleles (0.17%); highest among the groups gnomAD compares: Middle Eastern, 0.34%; 3 homozygotes.

Submissions (2):

Women's Health and Genetics/Laboratory Corporation of America, LabCorp
Classification: Likely benign. Last evaluated: 2024-01-23. Review status: criteria provided, single submitter. Criteria: LabCorp Variant Classification Summary - May 2015. Collection method: clinical testing. Allele origin: germline.
Comment: Variant summary: DRD4 c.1016G>A (p.Gly339Asp) results in a non-conservative amino acid change located in the GPCR, rhodopsin-like, 7TM domain (IPR017452) of the encoded protein sequence. Two of four in-silico tools predict a benign effect of the variant on protein function. The variant allele was found at a frequency of 0.0015 in 130508 control chromosomes, predominantly at a frequency of 0.002 within the Non-Finnish European subpopulation in the gnomAD database. c.1016G>A has been reported in the literature in individuals affected with Periodontitis (Richter_2021). The report does not provide unequivocal conclusions about association of the variant with DRD4-Related Disorders. To our knowledge, no experimental evidence demonstrating an impact on protein function has been reported. The following publication have been ascertained in the context of this evaluation (PMID: 34515563). No submitters have cited clinical-significance assessments for this variant to ClinVar. Based on the evidence outlined above, the variant was classified as likely benign.

PreventionGenetics, part of Exact Sciences
Classification: Benign for DRD4-related condition. Last evaluated: 2020-07-13. Review status: no assertion criteria provided. Collection method: clinical testing. Allele origin: germline. Not counted in ClinVar's aggregate classification.
Comment: This variant is classified as benign based on ACMG/AMP sequence variant interpretation guidelines (Richards et al. 2015 PMID: 25741868, with internal and published modifications).

Literature cited by the submitters: PubMed 34515563 (cited by Women's Health and Genetics/Laboratory Corporation of America, LabCorp).